The following is an entry in ClinVar:

NM_002227.4(JAK1):c.2649+3A>C

Gene: JAK1 (Janus kinase 1; minus strand). Cytogenetic location: 1p31.3.
Variant type: single nucleotide variant.
Coding change: c.2649+3A>C on transcript NM_002227.4 (MANE Select); 3 bases into the intron after coding-DNA position 2649, A replaced by C.
Molecular consequence: intron variant.
Genome position (GRCh38, 1-based): chr1:64,841,242, T>G on the plus strand (A>C on the coding strand, the complement: JAK1 is on the minus strand). VCF-style: chr1-64841242-T-G. GRCh37 (hg19) VCF-style: chr1-65306925-T-G.
Other names: c.2649+3A>C (NM_001321852.2, NM_001321854.2, NM_001321853.2 and 3 more transcripts); c.2646+3A>C (NM_001321857.2).
Identifiers: ClinVar variation 1446165 (VCV001446165.7), dbSNP rs764565978, ClinGen allele CA892626.

ClinVar aggregate classification (germline): Uncertain significance (1 of 4 stars; one submission).

Allele frequency attached by ClinVar (database versions not stated): ExAC 0.00001; gnomAD 0.00001; gnomAD exomes 0.00002 and 0.00013; TOPMed 0.00003.
gnomAD v4.1: 183 of 1,610,132 alleles (0.011%); highest among the groups gnomAD compares: Non-Finnish European, 0.015%; no homozygotes.

Submissions (2):

Labcorp Genetics (formerly Invitae), Labcorp
Classification: Uncertain significance. Last evaluated: 2025-11-25. Review status: criteria provided, single submitter. Criteria: Invitae Variant Classification Sherloc (09022015). Collection method: clinical testing. Allele origin: germline.
Comment: This sequence change falls in intron 19 of the JAK1 gene. It does not directly change the encoded amino acid sequence of the JAK1 protein. It affects a nucleotide within the consensus splice site. This variant is present in population databases (rs764565978, gnomAD 0.004%). This variant has not been reported in the literature in individuals affected with JAK1-related conditions. ClinVar contains an entry for this variant (Variation ID: 1446165). Variants that disrupt the consensus splice site are a relatively common cause of aberrant splicing (PMID: 17576681, 9536098). Algorithms developed to predict the effect of sequence changes on RNA splicing suggest that this variant is not likely to affect RNA splicing. In summary, the available evidence is currently insufficient to determine the role of this variant in disease. Therefore, it has been classified as a Variant of Uncertain Significance.

Dr. Peter K. Rogan Lab, Western University
No classification provided (evidence only). Condition: Acute myeloid leukemia. Review status: no classification provided. Collection method: in vitro. Allele origin: not applicable. Functional consequence: retained intron. Not counted in ClinVar's aggregate classification.

Literature cited by the submitters: PubMed 17576681 (cited by Labcorp Genetics (formerly Invitae), Labcorp); PubMed 9536098 (cited by Labcorp Genetics (formerly Invitae), Labcorp).